The following is an entry in ClinVar:

ClinVar aggregate classification (germline): Uncertain significance (1 of 4 stars; one submission).

Submission:

CeGaT Center for Human Genetics Tuebingen
Classification: Uncertain significance. Last evaluated: 2024-02-01. Review status: criteria provided, single submitter. Criteria: CeGaT Center For Human Genetics Tuebingen Variant Classification Criteria Version 2. Collection method: clinical testing. Allele origin: germline. Affected: yes. Observed: 1 variant allele.
Comment: EP300: PM2, PP3

NM_001429.4(EP300):c.5015A>G (p.Glu1672Gly)

Gene: EP300 (EP300 lysine acetyltransferase; plus strand). Cytogenetic location: 22q13.2.
Variant type: single nucleotide variant.
Coding change: c.5015A>G on transcript NM_001429.4 (MANE Select); coding-DNA position 5015, A replaced by G.
Protein change: p.Glu1672Gly; replaces glutamic acid 1672 with glycine.
Molecular consequence: missense variant.
Genome position (GRCh38, 1-based): chr22:41,176,482, A>G. VCF-style: chr22-41176482-A-G. GRCh37 (hg19) VCF-style: chr22-41572486-A-G.
Other names: c.4937A>G, p.Glu1646Gly (NM_001362843.2); short protein forms E1646G, E1672G.
Identifiers: ClinVar variation 3027315 (VCV003027315.22), dbSNP rs2145513722, ClinGen allele CA411707671.